The following is an entry in ClinVar:

NM_001042492.3(NF1):c.5545G>C (p.Asp1849His)

Gene: NF1 (neurofibromin 1; plus strand). Cytogenetic location: 17q11.2.
Variant type: single nucleotide variant.
Coding change: c.5545G>C on transcript NM_001042492.3 (MANE Select); coding-DNA position 5545, G replaced by C.
Protein change: p.Asp1849His; replaces aspartic acid 1849 with histidine.
Molecular consequence: missense variant.
Genome position (GRCh38, 1-based): chr17:31,327,775, G>C. VCF-style: chr17-31327775-G-C. GRCh37 (hg19) VCF-style: chr17-29654793-G-C.
Other names: c.5482G>C, p.Asp1828His (NM_000267.4); short protein forms D1849H, D1828H.
Identifiers: ClinVar variation 1747814 (VCV001747814.7), dbSNP rs2151541722, ClinGen allele CA399009835.

ClinVar aggregate classification (germline): Uncertain significance. Review status: criteria provided, multiple submitters, no conflicts (2 of 4 stars). 2 submissions from 2 submitters: Uncertain significance (2). Last evaluated 2022-04-01.

Conditions:
Neurofibromatosis, type 1 (NF1). Also called: VON RECKLINGHAUSEN DISEASE; NEUROFIBROMATOSIS, TYPE I, SOMATIC; Neurofibromatosis, type I; Peripheral type neurofibromatosis. Identifiers: Orphanet 636, MedGen C0027831, MONDO:0018975, OMIM 162200. Disease mechanism: loss of function.
Cardiovascular phenotype. Identifiers: MedGen CN230736.
Hereditary cancer-predisposing syndrome. Also called: Neoplastic Syndromes, Hereditary; Tumor predisposition; Hereditary Cancer Syndrome; Hereditary neoplastic syndrome. Identifiers: Orphanet 140162, MedGen C0027672, MeSH D009386, MONDO:0015356.

Submissions (2):

Labcorp Genetics (formerly Invitae), Labcorp
Classification: Uncertain significance for Neurofibromatosis, type 1. Last evaluated: 2022-04-01. Review status: criteria provided, single submitter. Criteria: Invitae Variant Classification Sherloc (09022015). Collection method: clinical testing. Allele origin: germline.
Comment: This sequence change replaces aspartic acid, which is acidic and polar, with histidine, which is basic and polar, at codon 1828 of the NF1 protein (p.Asp1828His). This variant is not present in population databases (gnomAD no frequency). This variant has not been reported in the literature in individuals affected with NF1-related conditions. Advanced modeling of protein sequence and biophysical properties (such as structural, functional, and spatial information, amino acid conservation, physicochemical variation, residue mobility, and thermodynamic stability) performed at Invitae indicates that this missense variant is expected to disrupt NF1 protein function. This variant disrupts the p.Asp1828 amino acid residue in NF1. Other variant(s) that disrupt this residue have been determined to be pathogenic (PMID: 28422438, 31766501; Invitae). This suggests that this residue is clinically significant, and that variants that disrupt this residue are likely to be disease-causing. In summary, the available evidence is currently insufficient to determine the role of this variant in disease. Therefore, it has been classified as a Variant of Uncertain Significance.

Ambry Genetics
Classification: Uncertain significance for Cardiovascular phenotype; Hereditary cancer-predisposing syndrome. Last evaluated: 2021-10-18. Review status: criteria provided, single submitter. Criteria: Ambry Variant Classification Scheme 2023. Collection method: clinical testing. Allele origin: germline.
Comment: The p.D1828H variant (also known as c.5482G>C), located in coding exon 37 of the NF1 gene, results from a G to C substitution at nucleotide position 5482. The aspartic acid at codon 1828 is replaced by histidine, an amino acid with similar properties. This amino acid position is highly conserved in available vertebrate species. In addition, this alteration is predicted to be deleterious by in silico analysis. Since supporting evidence is limited at this time, the clinical significance of this alteration remains unclear.

Literature cited by the submitters: PubMed 28422438 (cited by Labcorp Genetics (formerly Invitae), Labcorp); PubMed 31766501 (cited by Labcorp Genetics (formerly Invitae), Labcorp).